The following is an entry in ClinVar:

NM_172107.4(KCNQ2):c.1477C>T (p.Arg493Cys)

Gene: KCNQ2 (potassium voltage-gated channel subfamily Q member 2; minus strand). Cytogenetic location: 20q13.33.
Variant type: single nucleotide variant.
Coding change: c.1477C>T on transcript NM_172107.4 (MANE Select); coding-DNA position 1477, C replaced by T.
Protein change: p.Arg493Cys; replaces arginine 493 with cysteine.
Molecular consequence: missense variant.
Genome position (GRCh38, 1-based): chr20:63,414,951, G>A on the plus strand (C>T on the coding strand, the complement: KCNQ2 is on the minus strand). VCF-style: chr20-63414951-G-A. GRCh37 (hg19) VCF-style: chr20-62046304-G-A.
Other names: c.1393C>T, p.Arg465Cys (NM_004518.6); c.1423C>T, p.Arg475Cys (NM_172106.3); c.1387C>T, p.Arg463Cys (NM_172108.5); short protein forms R493C, R463C, R465C, R475C.
Identifiers: ClinVar variation 424395 (VCV000424395.9), dbSNP rs759338332, ClinGen allele CA9958453.

ClinVar aggregate classification (germline): Uncertain significance. Review status: criteria provided, multiple submitters, no conflicts (2 of 4 stars). 3 submissions from 3 submitters: Uncertain significance (3). Last evaluated 2024-04-30.

Conditions:
Early-infantile DEE. Also called: Ohtahara syndrome; Early infantile epileptic encephalopathy; Early infantile epileptic encephalopathy with suppression bursts. Identifiers: Orphanet 1934, MedGen C0393706, MONDO:0800491.

Allele frequency attached by ClinVar (database versions not stated): ExAC 0.00001; gnomAD exomes 0.00001.
gnomAD v4.1: 10 of 1,612,554 alleles (0.00062%); highest among the groups gnomAD compares: Admixed American, 0.0017%; no homozygotes.

Submissions (3):

Labcorp Genetics (formerly Invitae), Labcorp
Classification: Uncertain significance for Early-infantile DEE. Last evaluated: 2024-04-30. Review status: criteria provided, single submitter. Criteria: Invitae Variant Classification Sherloc (09022015). Collection method: clinical testing. Allele origin: germline.
Comment: This sequence change replaces arginine, which is basic and polar, with cysteine, which is neutral and slightly polar, at codon 493 of the KCNQ2 protein (p.Arg493Cys). This variant is present in population databases (rs759338332, gnomAD 0.003%). This variant has not been reported in the literature in individuals affected with KCNQ2-related conditions. ClinVar contains an entry for this variant (Variation ID: 424395). Advanced modeling of protein sequence and biophysical properties (such as structural, functional, and spatial information, amino acid conservation, physicochemical variation, residue mobility, and thermodynamic stability) performed at Invitae indicates that this missense variant is expected to disrupt KCNQ2 protein function with a positive predictive value of 95%. In summary, the available evidence is currently insufficient to determine the role of this variant in disease. Therefore, it has been classified as a Variant of Uncertain Significance.

Blueprint Genetics
Classification: Uncertain significance. Last evaluated: 2022-08-17. Review status: criteria provided, single submitter. Criteria: ACMG Guidelines, 2015. Collection method: clinical testing. Allele origin: germline.

GeneDx
Classification: Uncertain significance. Last evaluated: 2017-03-20. Review status: criteria provided, single submitter. Criteria: GeneDx Variant Classification (06012015). Collection method: clinical testing. Allele origin: germline. Affected: yes.
Comment: A variant of uncertain significance has been identified in the KCNQ2 gene. The R493C variant has not been published as a pathogenic variant, nor has it been reported as a benign variant to our knowledge. The R493C variant is not observed at a significant frequency in large population cohorts (Lek et al., 2016; 1000 Genomes Consortium et al., 2015; Exome Variant Server). The R493C variant is a non-conservative amino acid substitution, which is likely to impact secondary protein structure as these residues differ in polarity, charge, size and/or other properties. In silico analysis predicts this variant is probably damaging to the protein structure/function. However, this substitution occurs at a position where amino acids with similar properties to Arginine are tolerated across species. Therefore, based on the currently available information, it is unclear whether this variant is a pathogenic variant or a rare benign variant.